The following is an entry in ClinVar:

ClinVar aggregate classification (germline): Uncertain significance. Review status: criteria provided, multiple submitters, no conflicts (2 of 4 stars). 3 submissions from 3 submitters: Uncertain significance (3). Last evaluated 2025-11-01.

Allele frequency attached by ClinVar (database versions not stated): gnomAD exomes 0.00001 and 0.00003; gnomAD 0.00008; TOPMed 0.00009.
gnomAD v4.1: 55 of 1,614,046 alleles (0.0034%); highest among the groups gnomAD compares: Admixed American, 0.022%; no homozygotes.

Submissions (3):

CeGaT Center for Human Genetics Tuebingen
Classification: Uncertain significance. Last evaluated: 2025-11-01. Review status: criteria provided, single submitter. Criteria: CeGaT Center For Human Genetics Tuebingen Variant Classification Criteria Version 2. Collection method: clinical testing. Allele origin: germline. Affected: yes. Observed: 1 variant allele.
Comment: SYNE1: PP3

Revvity Omics, Revvity
Classification: Uncertain significance. Last evaluated: 2023-12-17. Review status: criteria provided, single submitter. Criteria: ACMG Guidelines, 2015. Collection method: clinical testing. Allele origin: germline.

Eurofins Ntd Llc (ga)
Classification: Uncertain significance. Last evaluated: 2017-10-02. Review status: criteria provided, single submitter. Criteria: EGL Classification Definitions 2015. Collection method: clinical testing. Allele origin: germline. Observed: 1 variant allele, 1 heterozygote.

NM_182961.4(SYNE1):c.23897G>A (p.Cys7966Tyr)

Gene: SYNE1 (spectrin repeat containing nuclear envelope protein 1; minus strand). Cytogenetic location: 6q25.2.
Variant type: single nucleotide variant.
Coding change: c.23897G>A on transcript NM_182961.4 (MANE Select); coding-DNA position 23897, G replaced by A.
Protein change: p.Cys7966Tyr; replaces cysteine 7966 with tyrosine.
Molecular consequence: missense variant.
Genome position (GRCh38, 1-based): chr6:152,155,991, C>T on the plus strand (G>A on the coding strand, the complement: SYNE1 is on the minus strand). VCF-style: chr6-152155991-C-T. GRCh37 (hg19) VCF-style: chr6-152477126-C-T.
Other names: c.23684G>A (NM_033071.3); c.503G>A, p.Cys168Tyr (NM_001347701.2); c.362G>A, p.Cys121Tyr (NM_001347702.2); c.23684G>A, p.Cys7895Tyr (NM_033071.5); short protein forms C7895Y, C7966Y, C168Y, C121Y.
Identifiers: ClinVar variation 594267 (VCV000594267.30), dbSNP rs1054958938, ClinGen allele CA150179199.
Genomic context (GRCh38, chr6:152,155,991, plus strand): 5'-ATAGCACAAATGTTTCTCCACCGCCGGTCCAGGTTTCTCGTAGCCTGCTGTATAGAGTCA[C>T]ACTCGGCATCAGTGGCACAGGCGTCACAGTCGTGCAGCAGGACTTCACACAGGTTGAGGA-3'
Protein context (NP_892006.3, residues 7956-7976): DCDACATDAE[Cys7966Tyr]DSIQQATRNL